The following is an entry in ClinVar:

ClinVar aggregate classification (germline): Uncertain significance (1 of 4 stars; one submission).

Submission:

CeGaT Center for Human Genetics Tuebingen
Classification: Uncertain significance. Last evaluated: 2024-02-01. Review status: criteria provided, single submitter. Criteria: CeGaT Center For Human Genetics Tuebingen Variant Classification Criteria Version 2. Collection method: clinical testing. Allele origin: germline. Affected: yes. Observed: 2 variant alleles.
Comment: TTN: PM2, PP3

NM_001267550.2(TTN):c.56671C>T (p.Pro18891Ser)

Genes: TTN (titin; minus strand), TTN-AS1 (TTN antisense RNA 1; plus strand). Cytogenetic location: 2q31.2.
Variant type: single nucleotide variant.
Coding change: c.56671C>T on transcript NM_001267550.2 (MANE Select); coding-DNA position 56671, C replaced by T.
Protein change: p.Pro18891Ser; replaces proline 18891 with serine.
Molecular consequence: missense variant.
Genome position (GRCh38, 1-based): chr2:178,599,039, G>A on the plus strand (C>T on the coding strand, the complement: TTN is on the minus strand). VCF-style: chr2-178599039-G-A. GRCh37 (hg19) VCF-style: chr2-179463766-G-A.
Other names: c.51748C>T, p.Pro17250Ser (NM_001256850.1); c.29476C>T, p.Pro9826Ser (NM_003319.4); c.48967C>T, p.Pro16323Ser (NM_133378.4); c.29851C>T, p.Pro9951Ser (NM_133432.3); c.30052C>T, p.Pro10018Ser (NM_133437.4); short protein forms P10018S, P16323S, P17250S, P18891S, P9826S, P9951S.
Identifiers: ClinVar variation 2651627 (VCV002651627.24), dbSNP rs2469874605, ClinGen allele CA349528041.